The following is an entry in ClinVar:

ClinVar aggregate classification (germline): Conflicting classifications of pathogenicity. Review status: criteria provided, conflicting classifications (1 of 4 stars). 3 submissions from 3 submitters: Uncertain significance (1); Likely benign (2). Last evaluated 2025-07-14.

Conditions:
Costello syndrome (CSTLO). Also called: FCS SYNDROME; FACIOCUTANEOSKELETAL SYNDROME; HRAS-Related Costello Syndrome. Identifiers: Orphanet 3071, MedGen C0587248, MONDO:0009026, OMIM 218040.
Cardiovascular phenotype. Identifiers: MedGen CN230736.

Allele frequency attached by ClinVar (database versions not stated): gnomAD exomes below 0.00001.
gnomAD v4.1: 2 of 1,613,228 alleles (0.00012%); highest among the groups gnomAD compares: Non-Finnish European, 0.00017%; no homozygotes.

Submissions (3):

Labcorp Genetics (formerly Invitae), Labcorp
Classification: Likely benign for Costello syndrome. Last evaluated: 2025-07-14. Review status: criteria provided, single submitter. Criteria: Invitae Variant Classification Sherloc (09022015). Collection method: clinical testing. Allele origin: germline.

GeneDx
Classification: Uncertain significance. Last evaluated: 2022-06-10. Review status: criteria provided, single submitter. Criteria: GeneDx Variant Classification Process June 2021. Collection method: clinical testing. Allele origin: germline. Affected: yes.
Comment: In silico analysis supports that this variant does not alter splicing; Has not been previously published as pathogenic or benign to our knowledge

Ambry Genetics
Classification: Likely benign for Cardiovascular phenotype. Last evaluated: 2020-11-15. Review status: criteria provided, single submitter. Criteria: Ambry Variant Classification Scheme 2023. Collection method: clinical testing. Allele origin: germline.

NM_005343.4(HRAS):c.21G>C (p.Val7=)

Genes: HRAS (HRas proto-oncogene, GTPase; minus strand), LRRC56 (leucine rich repeat containing 56; plus strand). Cytogenetic location: 11p15.5.
Variant type: single nucleotide variant.
Coding change: c.21G>C on transcript NM_005343.4 (MANE Select); coding-DNA position 21, G replaced by C.
Protein change: p.Val7=; no amino-acid change (valine 7 retained).
Molecular consequence: synonymous variant. On other transcripts: 5 prime UTR variant (1).
Genome position (GRCh38, 1-based): chr11:534,302, C>G on the plus strand (G>C on the coding strand, the complement: HRAS is on the minus strand). VCF-style: chr11-534302-C-G. GRCh37 (hg19) VCF-style: chr11-534302-C-G.
Other names: c.21G>C, p.Val7= (NM_001130442.3, NM_176795.5); c.-299G>C (NM_001318054.2).
Identifiers: ClinVar variation 1787611 (VCV001787611.8), dbSNP rs1851321186, ClinGen allele CA472322562.